The following is an entry in ClinVar:

NM_017780.4(CHD7):c.1365G>A (p.Met455Ile)

Gene: CHD7 (chromodomain helicase DNA binding protein 7; plus strand). Cytogenetic location: 8q12.2.
Variant type: single nucleotide variant.
Coding change: c.1365G>A on transcript NM_017780.4 (MANE Select); coding-DNA position 1365, G replaced by A.
Protein change: p.Met455Ile; replaces methionine 455 with isoleucine.
Molecular consequence: missense variant.
Genome position (GRCh38, 1-based): chr8:60,742,797, G>A. VCF-style: chr8-60742797-G-A. GRCh37 (hg19) VCF-style: chr8-61655356-G-A.
Other names: c.1365G>A, p.Met455Ile (NM_001316690.1); short protein forms M455I.
Identifiers: ClinVar variation 1934486 (VCV001934486.5), dbSNP rs2487281617, ClinGen allele CA371302528.
Genomic context (GRCh38, chr8:60,742,797, plus strand): 5'-ATCTCACCAGCCCCCTGGTGCCATGGGAATCGGACAGAGGAATATGGGCCCCAGAAACAT[G>A]CAGCAGTCTCGTCCATTTATAGGCATGTCCTCGGCACCAAGGGAATTGACTGGGCACATG-3'
Protein context (NP_060250.2, residues 445-465): IGQRNMGPRN[Met455Ile]QQSRPFIGMS

ClinVar aggregate classification (germline): Uncertain significance (1 of 4 stars; one submission).

Conditions:
CHARGE syndrome (CHARGE). Also called: Hittner Hirsch Kreh syndrome; CHARGE ASSOCIATION--COLOBOMA, HEART ANOMALY, CHOANAL ATRESIA, RETARDATION, GENITAL AND EAR ANOMALIES; Coloboma, heart anomaly, choanal atresia, retardation, genital and ear anomalies; CHARGE association; Hall-Hittner syndrome. Identifiers: Orphanet 138, MedGen C0265354, MONDO:0008965.

Submission:

Labcorp Genetics (formerly Invitae), Labcorp
Classification: Uncertain significance for CHARGE syndrome. Last evaluated: 2022-08-10. Review status: criteria provided, single submitter. Criteria: Invitae Variant Classification Sherloc (09022015). Collection method: clinical testing. Allele origin: germline.
Comment: This sequence change replaces methionine, which is neutral and non-polar, with isoleucine, which is neutral and non-polar, at codon 455 of the CHD7 protein (p.Met455Ile). In summary, the available evidence is currently insufficient to determine the role of this variant in disease. Therefore, it has been classified as a Variant of Uncertain Significance. Advanced modeling of protein sequence and biophysical properties (such as structural, functional, and spatial information, amino acid conservation, physicochemical variation, residue mobility, and thermodynamic stability) performed at Invitae indicates that this missense variant is not expected to disrupt CHD7 protein function. This variant has not been reported in the literature in individuals affected with CHD7-related conditions. This variant is not present in population databases (gnomAD no frequency).